The following is an entry in ClinVar:

ClinVar aggregate classification (germline): Benign/Likely benign. Review status: criteria provided, multiple submitters, no conflicts (2 of 4 stars). 2 submissions from 2 submitters: Benign (1); Likely benign (1). Last evaluated 2025-03-18.

Conditions:
Juvenile polyposis/hereditary hemorrhagic telangiectasia syndrome (JPHT). Also called: JP/HHT SYNDROME; JUVENILE POLYPOSIS WITH HEREDITARY HEMORRHAGIC TELANGIECTASIA; POLYPOSIS, GENERALIZED JUVENILE, WITH PULMONARY ARTERIOVENOUS MALFORMATION; TELANGIECTASIA, HEREDITARY HEMORRHAGIC, WITH JUVENILE POLYPOSIS COLI; Juvenile Polyposis Syndrome / Hereditary Hemorrhagic Telangiectasia (JPS/HHT). Identifiers: Orphanet 2929, MedGen C1832942, MONDO:0008278, OMIM 175050.
Juvenile polyposis syndrome (JPS). Identifiers: Orphanet 2929, MedGen C0345893, MONDO:0017380, OMIM 174900.

Allele frequency attached by ClinVar (database versions not stated): gnomAD exomes below 0.00001.
gnomAD v4.1: 1 of 1,612,560 alleles (0.000062%); highest among the groups gnomAD compares: South Asian, 0.0011%; no homozygotes.

Submissions (2):

Myriad Genetics, Inc.
Classification: Benign for Juvenile polyposis/hereditary hemorrhagic telangiectasia syndrome. Last evaluated: 2025-03-18. Review status: criteria provided, single submitter. Criteria: Myriad Autosomal Dominant, Autosomal Recessive and X-Linked Classification Criteria (2023). Collection method: clinical testing. Allele origin: unknown.
Comment: This variant is considered benign. This variant is a silent/synonymous amino acid change, and it is not expected to impact splicing.

Labcorp Genetics (formerly Invitae), Labcorp
Classification: Likely benign for Juvenile polyposis syndrome. Last evaluated: 2023-09-12. Review status: criteria provided, single submitter. Criteria: Invitae Variant Classification Sherloc (09022015). Collection method: clinical testing. Allele origin: germline.

NM_005359.6(SMAD4):c.321T>C (p.Asn107=)

Gene: SMAD4 (SMAD family member 4; plus strand). Cytogenetic location: 18q21.2.
Variant type: single nucleotide variant.
Coding change: c.321T>C on transcript NM_005359.6 (MANE Select); coding-DNA position 321, T replaced by C.
Protein change: p.Asn107=; no amino-acid change (asparagine 107 retained).
Molecular consequence: synonymous variant. On other transcripts: non-coding transcript variant (2).
Genome position (GRCh38, 1-based): chr18:51,048,757, T>C. VCF-style: chr18-51048757-T-C. GRCh37 (hg19) VCF-style: chr18-48575127-T-C.
Other names: c.321T>C, p.Asn107= (NM_001407041.1, NM_001407042.1, NM_001407043.1).
Identifiers: ClinVar variation 2760197 (VCV002760197.4), dbSNP rs2144405534, ClinGen allele CA503873579.